The following is an entry in ClinVar:

ClinVar aggregate classification (germline): Uncertain significance (1 of 4 stars; one submission).

Conditions:
Inflammatory skin and bowel disease, neonatal, 1. Identifiers: Orphanet 294023, MedGen C3280501, MONDO:0013693, OMIM 614328.

gnomAD v4.1: 4 of 1,613,130 alleles (0.00025%); highest among the groups gnomAD compares: Non-Finnish European, 0.00025%; no homozygotes.

Submission:

Labcorp Genetics (formerly Invitae), Labcorp
Classification: Uncertain significance for Inflammatory skin and bowel disease, neonatal, 1. Last evaluated: 2019-11-18. Review status: criteria provided, single submitter. Criteria: Invitae Variant Classification Sherloc (09022015). Collection method: clinical testing. Allele origin: germline.
Comment: In summary, the available evidence is currently insufficient to determine the role of this variant in disease. Therefore, it has been classified as a Variant of Uncertain Significance. Algorithms developed to predict the effect of missense changes on protein structure and function are either unavailable or do not agree on the potential impact of this missense change (SIFT: "Deleterious"; PolyPhen-2: "Probably Damaging"; Align-GVGD: "Class C0"). This variant has not been reported in the literature in individuals with ADAM17-related conditions. This variant is not present in population databases (ExAC no frequency). This sequence change replaces tyrosine with cysteine at codon 262 of the ADAM17 protein (p.Tyr262Cys). The tyrosine residue is highly conserved and there is a large physicochemical difference between tyrosine and cysteine.

NM_003183.6(ADAM17):c.785A>G (p.Tyr262Cys)

Gene: ADAM17 (ADAM metallopeptidase domain 17; minus strand). Cytogenetic location: 2p25.1.
Variant type: single nucleotide variant.
Coding change: c.785A>G on transcript NM_003183.6 (MANE Select); coding-DNA position 785, A replaced by G.
Protein change: p.Tyr262Cys; replaces tyrosine 262 with cysteine.
Molecular consequence: missense variant.
Genome position (GRCh38, 1-based): chr2:9,523,307, T>C on the plus strand (A>G on the coding strand, the complement: ADAM17 is on the minus strand). VCF-style: chr2-9523307-T-C. GRCh37 (hg19) VCF-style: chr2-9663436-T-C.
Other names: short protein forms Y262C.
Identifiers: ClinVar variation 837367 (VCV000837367.8), dbSNP rs1664384427, ClinGen allele CA345781651.
Genomic context (GRCh38, chr2:9,523,307, plus strand): 5'-ACCTGCTCTATCTGTATTCCATAGCCTTTAAAACCTGCATTATCCCATGAAGTGTTCCGA[T>C]AGATGTCATCAACTCTGTCAATTAGCTCTATCTGTGTGTATTTAAAAAAGAAAAAAGACA-3'
Protein context (NP_003174.3, residues 252-272): IELIDRVDDI[Tyr262Cys]RNTSWDNAGF